The following is an entry in ClinVar:

NM_000157.4(GBA1):c.1214G>A (p.Ser405Asn)

Genes: GBA1 (glucosylceramidase beta 1; minus strand), LOC106627981 (GBA recombination region; plus strand). Cytogenetic location: 1q22.
Variant type: single nucleotide variant.
Coding change: c.1214G>A on transcript NM_000157.4 (MANE Select); coding-DNA position 1214, G replaced by A.
Protein change: p.Ser405Asn; replaces serine 405 with asparagine.
Molecular consequence: missense variant.
Genome position (GRCh38, 1-based): chr1:155,236,255, C>T on the plus strand (G>A on the coding strand, the complement: GBA1 is on the minus strand). VCF-style: chr1-155236255-C-T. GRCh37 (hg19) VCF-style: chr1-155206046-C-T.
Other names: c.1214G>A (NM_000157.3, NM_001005741.2); c.1214G>A, p.Ser405Asn (NM_001005741.3, NM_001005742.3); c.953G>A, p.Ser318Asn (NM_001171811.2); c.1067G>A, p.Ser356Asn (NM_001171812.2); short protein forms S318N, S356N, S405N.
Identifiers: ClinVar variation 1799687 (VCV001799687.5), dbSNP rs1392291885, ClinGen allele CA342714644.

ClinVar aggregate classification (germline): Conflicting classifications of pathogenicity. Review status: criteria provided, conflicting classifications (1 of 4 stars). 4 submissions from 4 submitters: Likely pathogenic (2); Uncertain significance (2). Last evaluated 2025-07-08.

Conditions:
Gaucher disease. Also called: Acute cerebral Gaucher disease; Cerebroside lipidosis syndrome; Gaucher splenomegaly; Sphingolipidosis 1; Glucocerebrosidosis; Glucosylceramidase deficiency. Identifiers: Orphanet 355, MedGen C0017205, MONDO:0018150.

Allele frequency attached by ClinVar (database versions not stated): TOPMed 0.00001; gnomAD 0.00002.
gnomAD v4.1: 3 of 1,613,852 alleles (0.00019%); highest among the groups gnomAD compares: African/African-American, 0.004%; no homozygotes.

Submissions (4):

Natera, Inc.
Classification: Likely pathogenic for Gaucher disease. Last evaluated: 2025-07-08. Review status: criteria provided, single submitter. Criteria: Natera Variant Classification Schema (03/2026). Collection method: clinical testing. Allele origin: germline.
Comment: The c.1214G>A variant in GBA1 is a missense variant predicted to cause substitution of serine to asparagine at amino acid 405. This variant is rare in the general population with a frequency below the threshold expected for the associated phenotype(s). This variant has been observed in one or more individuals affected with the associated recessive disease, as either homozygous or compound heterozygous with a second variant (PMID: 9554454, 31799121). Additionally, this variant has been observed to segregate in affected family members (PMID: 31799121). A different variant at the same position has been determined to be Pathogenic or Likely Pathogenic. Multiple computational prediction algorithms suggest this variant is unlikely to affect gene or protein function. Given the available evidence, this variant is classified as Likely Pathogenic.

GeneDx
Classification: Uncertain significance. Last evaluated: 2024-07-01. Review status: criteria provided, single submitter. Criteria: GeneDx Variant Classification Process June 2021. Collection method: clinical testing. Allele origin: germline. Affected: yes.
Comment: In silico analysis indicates that this missense variant does not alter protein structure/function; Also known as p.(S366N); This variant is associated with the following publications: (PMID: 9516376, 31799121, 33277783, 38053927, 27007895, 9554454)

Women's Health and Genetics/Laboratory Corporation of America, LabCorp
Classification: Likely pathogenic for Gaucher disease. Last evaluated: 2023-09-20. Review status: criteria provided, single submitter. Criteria: LabCorp Variant Classification Summary - May 2015. Collection method: clinical testing. Allele origin: germline.
Comment: Variant summary: GBA c.1214G>A (p.Ser405Asn) results in a conservative amino acid change located in the Glycosyl hydrolase family 30, TIM-barrel domain (IPR033453) of the encoded protein sequence. Four of five in-silico tools predict a benign effect of the variant on protein function. The variant was absent in 251312 control chromosomes (gnomAD). c.1214G>A (also known as S366N) has been reported in the literature in individuals affected with Gaucher Disease (examples: Demina_1998, dAvila Paskulin_2019, Abell_2020). These data indicate that the variant is likely to be associated with disease. To our knowledge, no experimental evidence demonstrating an impact on protein function has been reported. The following publications have been ascertained in the context of this evaluation (PMID: 33277783, 9554454, 31077260, 31799121). One submitter has cited clinical-significance assessments for this variant to ClinVar after 2014 and has classified the variant as uncertain significance. Based on the evidence outlined above, the variant was classified as likely pathogenic.

Ambry Genetics
Classification: Uncertain significance. Last evaluated: 2016-08-30. Review status: criteria provided, single submitter. Criteria: Ambry Variant Classification Scheme 2023. Collection method: clinical testing. Allele origin: germline.
Comment: The p.S405N variant (also known as c.1214G>A and S366N), located in coding exon 8 of the GBA gene, results from a G to A substitution at nucleotide position 1214. The serine at codon 405 is replaced by asparagine, an amino acid with highly similar properties. Her sister also had symptoms of Gaucher disease and the same genotype, however the phase of the alterations (cis vs. trans) was not confirmed (Demina A et al. Acta Haematol., 1998;99:80-2). This variant was not reported in population based cohorts in the following databases: Database of Single Nucleotide Polymorphisms (dbSNP), NHLBI Exome Sequencing Project (ESP), and 1000 Genomes Project. In the ESP, this variant was not observed in 6503 samples (13006 alleles) with coverage at this position. This amino acid position is highly conserved through mammals but not in all available vertebrate species. In addition, the in silico prediction for this alteration is inconclusive. Since supporting evidence is limited at this time, the clinical significance of this alteration remains unclear.

Literature cited by the submitters: PubMed 9554454 (cited by 3 submitters); PubMed 31799121 (cited by Natera, Inc. and Women's Health and Genetics/Laboratory Corporation of America, LabCorp); PubMed 31077260 (cited by Women's Health and Genetics/Laboratory Corporation of America, LabCorp); PubMed 33277783 (cited by Women's Health and Genetics/Laboratory Corporation of America, LabCorp); PubMed 27007895 (cited by Ambry Genetics).